The following is an entry in ClinVar:

NM_005120.3(MED12):c.5708C>T (p.Pro1903Leu)

Gene: MED12 (mediator complex subunit 12; plus strand). Cytogenetic location: Xq13.1.
Variant type: single nucleotide variant.
Coding change: c.5708C>T on transcript NM_005120.3 (MANE Select); coding-DNA position 5708, C replaced by T.
Protein change: p.Pro1903Leu; replaces proline 1903 with leucine.
Molecular consequence: missense variant.
Genome position (GRCh38, 1-based): chrX:71,137,343, C>T. VCF-style: chrX-71137343-C-T. GRCh37 (hg19) VCF-style: chrX-70357193-C-T.
Other names: short protein forms P1903L.
Identifiers: ClinVar variation 2814291 (VCV002814291.3), dbSNP rs7473655, ClinGen allele CA413537484.

ClinVar aggregate classification (germline): Uncertain significance (1 of 4 stars; one submission).

Conditions:
FG syndrome (FGS). Identifiers: MedGen C0220769, MONDO:0002010.

gnomAD v4.1: 1 of 1,211,725 alleles (0.000083%); highest among the groups gnomAD compares: Non-Finnish European, 0.00011%; no homozygotes.

Submission:

Labcorp Genetics (formerly Invitae), Labcorp
Classification: Uncertain significance for FG syndrome. Last evaluated: 2023-06-23. Review status: criteria provided, single submitter. Criteria: Invitae Variant Classification Sherloc (09022015). Collection method: clinical testing. Allele origin: germline.
Comment: In summary, the available evidence is currently insufficient to determine the role of this variant in disease. Therefore, it has been classified as a Variant of Uncertain Significance. Advanced modeling of protein sequence and biophysical properties (such as structural, functional, and spatial information, amino acid conservation, physicochemical variation, residue mobility, and thermodynamic stability) has been performed at Invitae for this missense variant, however the output from this modeling did not meet the statistical confidence thresholds required to predict the impact of this variant on MED12 protein function. This variant has not been reported in the literature in individuals affected with MED12-related conditions. This variant is not present in population databases (gnomAD no frequency). This sequence change replaces proline, which is neutral and non-polar, with leucine, which is neutral and non-polar, at codon 1903 of the MED12 protein (p.Pro1903Leu).